The following is an entry in ClinVar:

NM_206933.4(USH2A):c.2293C>G (p.Gln765Glu)

Gene: USH2A (usherin; minus strand). Cytogenetic location: 1q41.
Variant type: single nucleotide variant.
Coding change: c.2293C>G on transcript NM_206933.4 (MANE Select); coding-DNA position 2293, C replaced by G.
Protein change: p.Gln765Glu; replaces glutamine 765 with glutamic acid.
Molecular consequence: missense variant.
Genome position (GRCh38, 1-based): chr1:216,247,101, G>C on the plus strand (C>G on the coding strand, the complement: USH2A is on the minus strand). VCF-style: chr1-216247101-G-C. GRCh37 (hg19) VCF-style: chr1-216420443-G-C.
Other names: c.2293C>G, p.Gln765Glu (NM_007123.6); short protein forms Q765E.
Identifiers: ClinVar variation 962670 (VCV000962670.8), dbSNP rs777629750, ClinGen allele CA344865219.

ClinVar aggregate classification (germline): Uncertain significance. Review status: criteria provided, multiple submitters, no conflicts (2 of 4 stars). 2 submissions from 2 submitters: Uncertain significance (2). Last evaluated 2024-02-16.

Submissions (2):

Blueprint Genetics
Classification: Uncertain significance. Last evaluated: 2024-02-16. Review status: criteria provided, single submitter. Criteria: ACMG Guidelines, 2015. Collection method: clinical testing. Allele origin: germline.

Labcorp Genetics (formerly Invitae), Labcorp
Classification: Uncertain significance. Last evaluated: 2021-12-21. Review status: criteria provided, single submitter. Criteria: Invitae Variant Classification Sherloc (09022015). Collection method: clinical testing. Allele origin: germline.
Comment: In summary, the available evidence is currently insufficient to determine the role of this variant in disease. Therefore, it has been classified as a Variant of Uncertain Significance. Algorithms developed to predict the effect of missense changes on protein structure and function (SIFT, PolyPhen-2, Align-GVGD) all suggest that this variant is likely to be disruptive. ClinVar contains an entry for this variant (Variation ID: 962670). This variant has not been reported in the literature in individuals affected with USH2A-related conditions. This variant is not present in population databases (gnomAD no frequency). This sequence change replaces glutamine, which is neutral and polar, with glutamic acid, which is acidic and polar, at codon 765 of the USH2A protein (p.Gln765Glu).